The following is an entry in ClinVar:

NM_006073.4(TRDN):c.2051-19G>A

Gene: TRDN (triadin; minus strand). Cytogenetic location: 6q22.31.
Variant type: single nucleotide variant.
Coding change: c.2051-19G>A on transcript NM_006073.4 (MANE Select); 19 bases into the intron before coding-DNA position 2051, G replaced by A.
Molecular consequence: intron variant.
Genome position (GRCh38, 1-based): chr6:123,218,759, C>T on the plus strand (G>A on the coding strand, the complement: TRDN is on the minus strand). VCF-style: chr6-123218759-C-T. GRCh37 (hg19) VCF-style: chr6-123539904-C-T.
Identifiers: ClinVar variation 259915 (VCV000259915.19), dbSNP rs7754205, ClinGen allele CA3983611.

ClinVar aggregate classification (germline): Benign. Review status: criteria provided, multiple submitters, no conflicts (2 of 4 stars). 8 submissions from 8 submitters: Benign (6). 2 of the submissions do not count toward it. Last evaluated 2026-02-04.

Conditions:
Catecholaminergic polymorphic ventricular tachycardia 5 (CARDAR). Also called: CARDIAC ARRHYTHMIA SYNDROME, WITH OR WITHOUT SKELETAL MUSCLE WEAKNESS; Ventricular tachycardia, catecholaminergic polymorphic, 5, with or without muscle weakness. Identifiers: Orphanet 3286, MedGen C3809536, MONDO:0014191, OMIM 615441.
Catecholaminergic polymorphic ventricular tachycardia 1. Also called: RYR2-Related Catecholaminergic Polymorphic Ventricular Tachycardia; VENTRICULAR TACHYCARDIA, STRESS-INDUCED POLYMORPHIC 1; VENTRICULAR TACHYCARDIA, CATECHOLAMINERGIC POLYMORPHIC, 1, WITH OR WITHOUT ATRIAL DYSFUNCTION AND/OR DILATED CARDIOMYOPATHY. Identifiers: Orphanet 3286, MedGen C1631597, MONDO:0011484, OMIM 604772.

Allele frequency attached by ClinVar (database versions not stated): 1000 Genomes Project 0.37600; 1000 Genomes Project 30x 0.38476; ESP Exome Variant Server 0.42124; gnomAD 0.42465 and 0.42872; ExAC 0.42535; gnomAD exomes 0.44209 and 0.45289; TOPMed 0.44409.
gnomAD v4.1: 698,067 of 1,551,200 alleles (45%); highest among the groups gnomAD compares: Admixed American, 59%; 160,242 homozygotes.

Submissions (8):

Labcorp Genetics (formerly Invitae), Labcorp
Classification: Benign for Catecholaminergic polymorphic ventricular tachycardia 1. Last evaluated: 2026-02-04. Review status: criteria provided, single submitter. Criteria: Invitae Variant Classification Sherloc (09022015). Collection method: clinical testing. Allele origin: germline.

Blueprint Genetics
Classification: Benign. Last evaluated: 2024-11-27. Review status: criteria provided, single submitter. Criteria: ACMG Guidelines, 2015. Collection method: clinical testing. Allele origin: germline.

Genome-Nilou Lab
Classification: Benign for Catecholaminergic polymorphic ventricular tachycardia 5. Last evaluated: 2021-09-10. Review status: criteria provided, single submitter. Criteria: ACMG Guidelines, 2015. Collection method: clinical testing. Allele origin: germline. Affected: no.

Women's Health and Genetics/Laboratory Corporation of America, LabCorp
Classification: Benign. Last evaluated: 2021-07-08. Review status: criteria provided, single submitter. Criteria: LabCorp Variant Classification Summary - May 2015. Collection method: clinical testing. Allele origin: germline.

GeneDx
Classification: Benign. Last evaluated: 2016-09-21. Review status: criteria provided, single submitter. Criteria: GeneDx Variant Classification (06012015). Collection method: clinical testing. Allele origin: germline. Affected: yes.
Comment: This variant is considered likely benign or benign based on one or more of the following criteria: it is a conservative change, it occurs at a poorly conserved position in the protein, it is predicted to be benign by multiple in silico algorithms, and/or has population frequency not consistent with disease.

PreventionGenetics, part of Exact Sciences
Classification: Benign. Review status: criteria provided, single submitter. Criteria: ACMG Guidelines, 2015. Collection method: clinical testing. Allele origin: germline.

Clinical Genetics, Academic Medical Center
Classification: Benign. Review status: no assertion criteria provided. Collection method: clinical testing. Allele origin: germline. Affected: yes. Study: VKGL Data-share Consensus. Not counted in ClinVar's aggregate classification.

Diagnostic Laboratory, Department of Genetics, University Medical Center Groningen
Classification: Benign. Review status: no assertion criteria provided. Collection method: clinical testing. Allele origin: germline. Affected: yes. Study: VKGL Data-share Consensus. Not counted in ClinVar's aggregate classification.